The following is an entry in ClinVar:

NM_000019.4(ACAT1):c.997G>C (p.Ala333Pro)

Gene: ACAT1 (acetyl-CoA acetyltransferase 1; plus strand). Cytogenetic location: 11q22.3.
Variant type: single nucleotide variant.
Coding change: c.997G>C on transcript NM_000019.4 (MANE Select); coding-DNA position 997, G replaced by C.
Protein change: p.Ala333Pro; replaces alanine 333 with proline.
Molecular consequence: missense variant.
Genome position (GRCh38, 1-based): chr11:108,144,039, G>C. VCF-style: chr11-108144039-G-C. GRCh37 (hg19) VCF-style: chr11-108014766-G-C.
Other names: c.997G>C, p.Ala333Pro (LRG_1400t1); short protein forms A333P.
Identifiers: ClinVar variation 2845 (VCV000002845.18), dbSNP rs120074147, ClinGen allele CA252471.

ClinVar aggregate classification (germline): Pathogenic/Likely pathogenic. Review status: criteria provided, multiple submitters, no conflicts (2 of 4 stars). 6 submissions from 6 submitters: Pathogenic (3); Likely pathogenic (2). 1 of the submissions does not count toward it. Last evaluated 2025-01-21.

Conditions:
Deficiency of acetyl-CoA acetyltransferase. Also called: Beta-ketothiolase deficiency; 3-KETOTHIOLASE DEFICIENCY; 3-OXOTHIOLASE DEFICIENCY; MITOCHONDRIAL ACETOACETYL-CoA THIOLASE DEFICIENCY. Identifiers: Orphanet 134, MedGen C1536500, MONDO:0008760, OMIM 203750. Disease mechanism: loss of function.

Allele frequency attached by ClinVar (database versions not stated): gnomAD exomes below 0.00001; gnomAD 0.00001.
gnomAD v4.1: 3 of 1,569,836 alleles (0.00019%); highest among the groups gnomAD compares: East Asian, 0.0072%; no homozygotes.

Submissions (6):

Natera, Inc.
Classification: Likely pathogenic for Alpha-methylacetoacetic aciduria. Last evaluated: 2025-01-21. Review status: criteria provided, single submitter. Criteria: Natera Variant Classification Schema (03/2026). Collection method: clinical testing. Allele origin: germline.
Comment: The c.997G>C variant in ACAT1 is a missense variant predicted to cause substitution of alanine to proline at amino acid 333. The frequency of this variant in the general population is greater than expected for disorder. This variant has been observed in one or more individuals affected with the associated recessive disease, as either homozygous or compound heterozygous with a second variant (PMID: 34001203, 9744475). Functional studies show that this variant may disrupt protein function (PMID: 9744475). Computational prediction algorithms indicate this variant is likely to affect gene or protein function. Given the available evidence, this variant is classified as Likely Pathogenic.

Women's Health and Genetics/Laboratory Corporation of America, LabCorp
Classification: Pathogenic for Deficiency of acetyl-CoA acetyltransferase. Last evaluated: 2023-06-09. Review status: criteria provided, single submitter. Criteria: LabCorp Variant Classification Summary - May 2015. Collection method: clinical testing. Allele origin: germline.
Comment: Variant summary: ACAT1 c.997G>C (p.Ala333Pro) results in a non-conservative amino acid change located in the C-terminal domain (IPR020617) of the encoded protein sequence. Four of five in-silico tools predict a damaging effect of the variant on protein function. The variant was absent in 251382 control chromosomes (gnomAD, v2.1 Exomes dataset). c.997G>C has been reported in the literature in many compound heterozygous individuals, primarily of East Asian ancestry, affected with Alpha-Methylacetoacetic Aciduria (e.g., Fukao_1995, Fukao_1998, Su_2017, Lin_2021). These data indicate that the variant is likely to be associated with disease. At least one publication reports experimental evidence evaluating an impact on protein function, finding that the variant displayed no residual enzymatic activity (e.g., Fukao_1995, Fukao_1998). The following publications have been ascertained in the context of this evaluation (PMID: 9744475, 7749408, 34001203, 28875337). Three ClinVar submitters (evaluation after 2014) have cited the variant, and all submitters classified the variant as pathogenic (n = 2) or likely pathogenic (n = 1). Based on the evidence outlined above, the variant was classified as pathogenic.

Labcorp Genetics (formerly Invitae), Labcorp
Classification: Pathogenic for Deficiency of acetyl-CoA acetyltransferase. Last evaluated: 2021-12-09. Review status: criteria provided, single submitter. Criteria: Invitae Variant Classification Sherloc (09022015). Collection method: clinical testing. Allele origin: germline.
Comment: This sequence change replaces alanine, which is neutral and non-polar, with proline, which is neutral and non-polar, at codon 333 of the ACAT1 protein (p.Ala333Pro). This variant is present in population databases (rs120074147, gnomAD 0.06%). This missense change has been observed in individual(s) with beta-ketothiolase deficiency (PMID: 9744475, 28875337; Invitae). In at least one individual the data is consistent with being in trans (on the opposite chromosome) from a pathogenic variant. ClinVar contains an entry for this variant (Variation ID: 2845). Algorithms developed to predict the effect of missense changes on protein structure and function are either unavailable or do not agree on the potential impact of this missense change (SIFT: "Deleterious"; PolyPhen-2: "Benign"; Align-GVGD: "Class C0"). For these reasons, this variant has been classified as Pathogenic. Experimental studies have shown that this missense change affects ACAT1 function (PMID: 7749408).

Department of Pediatrics, Gifu University
Classification: Likely pathogenic for Deficiency of acetyl-CoA acetyltransferase. Last evaluated: 2019-05-05. Review status: criteria provided, single submitter. Criteria: ACMG Guidelines, 2015. Collection method: research. Allele origin: germline. Affected: yes. Observed: 2 variant alleles.

Genomic Research Center, Shahid Beheshti University of Medical Sciences
Classification: Pathogenic for Deficiency of acetyl-CoA acetyltransferase. Last evaluated: 2017-12-18. Review status: criteria provided, single submitter. Criteria: ACMG Guidelines, 2015. Collection method: clinical testing. Allele origin: inherited. Affected: yes.

OMIM
Classification: Pathogenic for 3-KETOTHIOLASE DEFICIENCY. Last evaluated: 1998-01-01. Review status: no assertion criteria provided. Collection method: literature only. Allele origin: germline. Not counted in ClinVar's aggregate classification.

Literature cited by the submitters: PubMed 34001203 (cited by Natera, Inc. and Women's Health and Genetics/Laboratory Corporation of America, LabCorp); PubMed 9744475 (cited by 5 submitters); PubMed 28875337 (cited by Women's Health and Genetics/Laboratory Corporation of America, LabCorp and Labcorp Genetics (formerly Invitae), Labcorp); PubMed 7749408 (cited by Women's Health and Genetics/Laboratory Corporation of America, LabCorp and Labcorp Genetics (formerly Invitae), Labcorp); PubMed 31268215 (cited by Department of Pediatrics, Gifu University).